The following is an entry in ClinVar:

NM_000138.5(FBN1):c.7408T>A (p.Cys2470Ser)

Gene: FBN1 (fibrillin 1; minus strand). Cytogenetic location: 15q21.1.
Variant type: single nucleotide variant.
Coding change: c.7408T>A on transcript NM_000138.5 (MANE Select); coding-DNA position 7408, T replaced by A.
Protein change: p.Cys2470Ser; replaces cysteine 2470 with serine.
Molecular consequence: missense variant.
Genome position (GRCh38, 1-based): chr15:48,425,414, A>T on the plus strand (T>A on the coding strand, the complement: FBN1 is on the minus strand). VCF-style: chr15-48425414-A-T. GRCh37 (hg19) VCF-style: chr15-48717611-A-T.
Other names: short protein forms C2470S.
Identifiers: ClinVar variation 1454047 (VCV001454047.8), dbSNP rs1555394399, ClinGen allele CA392327773.

ClinVar aggregate classification (germline): Pathogenic (1 of 4 stars; one submission).

Conditions:
Marfan syndrome (MFS). Also called: MARFAN SYNDROME, TYPE I; Marfan syndrome type 1; Marfan's syndrome; Marfan syndrome, classic; FBN1-Related Marfan Syndrome. Identifiers: Orphanet 284963, Orphanet 558, MedGen C0024796, MONDO:0007947, OMIM 154700.
Familial thoracic aortic aneurysm and aortic dissection (TAAD). Also called: Thoracic aortic aneurysms and dissections. Identifiers: Orphanet 91387, MedGen C4707243, MONDO:0019625.

Submission:

Labcorp Genetics (formerly Invitae), Labcorp
Classification: Pathogenic for Marfan syndrome; Familial thoracic aortic aneurysm and aortic dissection. Last evaluated: 2021-05-31. Review status: criteria provided, single submitter. Criteria: Invitae Variant Classification Sherloc (09022015). Collection method: clinical testing. Allele origin: germline.
Comment: For these reasons, this variant has been classified as Pathogenic. This variant affects a cysteine residue in the EGF-like, TGFBP or hybrid motif domains of FBN1. Cysteine residues are believed to be involved in intramolecular disulfide bridges and have been shown to be important for FBN1 protein structure (PMID: 16905551, 19349279). In addition, missense substitutions affecting cysteine residues within these domains are significantly overrepresented among patients with Marfan syndrome (PMID: 16571647, 17701892). Advanced modeling of protein sequence and biophysical properties (such as structural, functional, and spatial information, amino acid conservation, physicochemical variation, residue mobility, and thermodynamic stability) performed at Invitae indicates that this missense variant is expected to disrupt FBN1 protein function. This missense change has been observed in individual(s) with FBN1-related conditions (PMID: 29848614, Invitae). This variant is not present in population databases (ExAC no frequency). This sequence change replaces cysteine with serine at codon 2470 of the FBN1 protein (p.Cys2470Ser). The cysteine residue is highly conserved and there is a moderate physicochemical difference between cysteine and serine.

Literature cited by the submitters: PubMed 16905551; PubMed 19349279; PubMed 16571647; PubMed 17701892; PubMed 29848614.